The following is an entry in ClinVar:

ClinVar aggregate classification (germline): Uncertain significance (1 of 4 stars; one submission).

Allele frequency attached by ClinVar (database versions not stated): gnomAD 0.00001; gnomAD exomes 0.00001; TOPMed 0.00002.

Submission:

Labcorp Genetics (formerly Invitae), Labcorp
Classification: Uncertain significance. Last evaluated: 2022-08-05. Review status: criteria provided, single submitter. Criteria: Invitae Variant Classification Sherloc (09022015). Collection method: clinical testing. Allele origin: germline.
Comment: In summary, the available evidence is currently insufficient to determine the role of this variant in disease. Therefore, it has been classified as a Variant of Uncertain Significance. Algorithms developed to predict the effect of missense changes on protein structure and function are either unavailable or do not agree on the potential impact of this missense change (SIFT: "Tolerated"; PolyPhen-2: "Possibly Damaging"; Align-GVGD: "Class C0"). This variant has not been reported in the literature in individuals affected with TOE1-related conditions. This variant is present in population databases (no rsID available, gnomAD 0.01%). This sequence change replaces leucine, which is neutral and non-polar, with phenylalanine, which is neutral and non-polar, at codon 469 of the TOE1 protein (p.Leu469Phe).

NM_025077.4(TOE1):c.1405C>T (p.Leu469Phe)

Gene: TOE1 (target of EGR1, exonuclease; plus strand). Cytogenetic location: 1p34.1.
Variant type: single nucleotide variant.
Coding change: c.1405C>T on transcript NM_025077.4 (MANE Select); coding-DNA position 1405, C replaced by T.
Protein change: p.Leu469Phe; replaces leucine 469 with phenylalanine.
Molecular consequence: missense variant.
Genome position (GRCh38, 1-based): chr1:45,343,574, C>T. VCF-style: chr1-45343574-C-T. GRCh37 (hg19) VCF-style: chr1-45809246-C-T.
Other names: short protein forms L469F.
Identifiers: ClinVar variation 1898641 (VCV001898641.5), dbSNP rs1172888512, ClinGen allele CA340142038.